The following is an entry in ClinVar:

ClinVar aggregate classification (germline): Uncertain significance. Review status: criteria provided, multiple submitters, no conflicts (2 of 4 stars). 2 submissions from 2 submitters: Uncertain significance (2). Last evaluated 2025-06-10.

Allele frequency attached by ClinVar (database versions not stated): TOPMed below 0.00001.

Submissions (2):

Women's Health and Genetics/Laboratory Corporation of America, LabCorp
Classification: Uncertain significance. Last evaluated: 2025-06-10. Review status: criteria provided, single submitter. Criteria: LabCorp Variant Classification Summary - May 2015. Collection method: clinical testing. Allele origin: germline.
Comment: Variant summary: ADGRV1 c.17909G>C (p.Cys5970Ser) results in a non-conservative amino acid change in the encoded protein sequence. Algorithms developed to predict the effect of missense changes on protein structure and function all suggest that this variant is likely to be disruptive. The variant was absent in 249194 control chromosomes (gnomAD). The available data on variant occurrences in the general population are insufficient to allow any conclusion about variant significance. c.17909G>C has been observed in an individual affected with Usher Syndrome (Bonnet_2016). These data do not allow any conclusion about variant significance. To our knowledge, no experimental evidence demonstrating an impact on protein function has been reported. The following publication has been ascertained in the context of this evaluation (PMID: 27460420). ClinVar contains an entry for this variant (Variation ID: 962037). Based on the evidence outlined above, the variant was classified as uncertain significance.

Labcorp Genetics (formerly Invitae), Labcorp
Classification: Uncertain significance. Last evaluated: 2024-09-16. Review status: criteria provided, single submitter. Criteria: Invitae Variant Classification Sherloc (09022015). Collection method: clinical testing. Allele origin: germline.
Comment: This sequence change replaces cysteine, which is neutral and slightly polar, with serine, which is neutral and polar, at codon 5970 of the ADGRV1 protein (p.Cys5970Ser). This variant is not present in population databases (gnomAD no frequency). This missense change has been observed in individual(s) with clinical features of inherited retinal disease and/or Usher syndrome (PMID: 27460420, 36460718). ClinVar contains an entry for this variant (Variation ID: 962037). Invitae Evidence Modeling of protein sequence and biophysical properties (such as structural, functional, and spatial information, amino acid conservation, physicochemical variation, residue mobility, and thermodynamic stability) has been performed for this missense variant. However, the output from this modeling did not meet the statistical confidence thresholds required to predict the impact of this variant on ADGRV1 protein function. In summary, the available evidence is currently insufficient to determine the role of this variant in disease. Therefore, it has been classified as a Variant of Uncertain Significance.

Literature cited by the submitters: PubMed 27460420 (cited by Women's Health and Genetics/Laboratory Corporation of America, LabCorp and Labcorp Genetics (formerly Invitae), Labcorp); PubMed 36460718 (cited by Labcorp Genetics (formerly Invitae), Labcorp).

NM_032119.4(ADGRV1):c.17909G>C (p.Cys5970Ser)

Gene: ADGRV1 (adhesion G protein-coupled receptor V1; plus strand). Cytogenetic location: 5q14.3.
Variant type: single nucleotide variant.
Coding change: c.17909G>C on transcript NM_032119.4 (MANE Select); coding-DNA position 17909, G replaced by C.
Protein change: p.Cys5970Ser; replaces cysteine 5970 with serine.
Molecular consequence: missense variant. On other transcripts: non-coding transcript variant (1).
Genome position (GRCh38, 1-based): chr5:90,965,467, G>C. VCF-style: chr5-90965467-G-C. GRCh37 (hg19) VCF-style: chr5-90261284-G-C.
Other names: short protein forms C5970S.
Identifiers: ClinVar variation 962037 (VCV000962037.10), dbSNP rs1778370378, ClinGen allele CA360426758.